The following is an entry in ClinVar:

NM_017534.6(MYH2):c.4892T>G (p.Met1631Arg)

Genes: MYH2 (myosin heavy chain 2; minus strand), MYHAS (myosin heavy chain gene cluster antisense RNA; plus strand), LOC126862500 (BRD4-independent group 4 enhancer GRCh37_chr17:10427829-10429028; plus strand). Cytogenetic location: 17p13.1.
Variant type: single nucleotide variant.
Coding change: c.4892T>G on transcript NM_017534.6 (MANE Select); coding-DNA position 4892, T replaced by G.
Protein change: p.Met1631Arg; replaces methionine 1631 with arginine.
Molecular consequence: missense variant.
Genome position (GRCh38, 1-based): chr17:10,524,836, A>C on the plus strand (T>G on the coding strand, the complement: MYH2 is on the minus strand). VCF-style: chr17-10524836-A-C. GRCh37 (hg19) VCF-style: chr17-10428153-A-C.
Other names: c.4892T>G, p.Met1631Arg (NM_001100112.2); short protein forms M1631R.
Identifiers: ClinVar variation 3354988 (VCV003354988.1).

ClinVar aggregate classification (germline): Uncertain significance (0 of 4 stars; one submission).

Conditions:
MYH2-related disorder. Also called: MYH2-related condition.

Submission:

PreventionGenetics, part of Exact Sciences
Classification: Uncertain significance for MYH2-related condition. Last evaluated: 2024-09-21. Review status: no assertion criteria provided. Collection method: clinical testing. Allele origin: germline.
Comment: The MYH2 c.4892T>G variant is predicted to result in the amino acid substitution p.Met1631Arg. To our knowledge, this variant has not been reported in the literature or in a large population database, indicating this variant is rare. At this time, the clinical significance of this variant is uncertain due to the absence of conclusive functional and genetic evidence.